The following is an entry in ClinVar:

NM_000090.4(COL3A1):c.2989C>T (p.Pro997Ser)

Gene: COL3A1 (collagen type III alpha 1 chain; plus strand). Cytogenetic location: 2q32.2.
Variant type: single nucleotide variant.
Coding change: c.2989C>T on transcript NM_000090.4 (MANE Select); coding-DNA position 2989, C replaced by T.
Protein change: p.Pro997Ser; replaces proline 997 with serine.
Molecular consequence: missense variant.
Genome position (GRCh38, 1-based): chr2:189,005,407, C>T. VCF-style: chr2-189005407-C-T. GRCh37 (hg19) VCF-style: chr2-189870133-C-T.
Other names: short protein forms P997S.
Identifiers: ClinVar variation 404303 (VCV000404303.9), dbSNP rs1060500202, ClinGen allele CA16610555.

ClinVar aggregate classification (germline): Uncertain significance. Review status: criteria provided, multiple submitters, no conflicts (2 of 4 stars). 2 submissions from 2 submitters: Uncertain significance (2). Last evaluated 2023-12-18.

Conditions:
Ehlers-Danlos syndrome, type 4 (EDSVASC). Also called: Ehlers-Danlos Syndrome Type IV; Ehlers-Danlos syndrome vascular type; Ehlers Danlos syndrome, ecchymotic type; Ehlers Danlos syndrome, arterial type; Ehlers Danlos syndrome, Sack-Barabas type. Identifiers: Orphanet 286, MedGen C0268338, MONDO:0017314, OMIM 130050.

Submissions (2):

All of Us Research Program, National Institutes of Health
Classification: Uncertain significance for Ehlers-Danlos syndrome, type 4. Last evaluated: 2023-12-18. Review status: criteria provided, single submitter. Criteria: ACMG Guidelines, 2015. Collection method: clinical testing. Allele origin: germline. Inheritance: Autosomal dominant inheritance. Observed: 1 variant allele, 1 heterozygote.
Comment: This missense variant replaces proline with serine at codon 997 of the COL3A1 protein. Computational prediction is inconclusive regarding the impact of this variant on protein structure and function (internally defined REVEL score threshold 0.5 < inconclusive < 0.7, PMID: 27666373). To our knowledge, functional studies have not been reported for this variant. This variant has not been reported in individuals affected with COL3A1-related disorders in the literature. This variant has not been identified in the general population by the Genome Aggregation Database (gnomAD). The available evidence is insufficient to determine the role of this variant in disease conclusively. Therefore, this variant is classified as a Variant of Uncertain Significance.

This study involves interpretation of variants in research participants for the purpose of population health screening. Participant phenotype was not available at the time of variant classification. Additional details can be found in publication PMID: 35346344, PMCID: PMC8962531

Labcorp Genetics (formerly Invitae), Labcorp
Classification: Uncertain significance for Ehlers-Danlos syndrome, type 4. Last evaluated: 2021-08-27. Review status: criteria provided, single submitter. Criteria: Invitae Variant Classification Sherloc (09022015). Collection method: clinical testing. Allele origin: germline.
Comment: This sequence change replaces proline with serine at codon 997 of the COL3A1 protein (p.Pro997Ser). The proline residue is moderately conserved and there is a moderate physicochemical difference between proline and serine. This variant is not present in population databases (ExAC no frequency). This variant has not been reported in the literature in individuals affected with COL3A1-related conditions. Algorithms developed to predict the effect of missense changes on protein structure and function are either unavailable or do not agree on the potential impact of this missense change (SIFT: "Deleterious"; PolyPhen-2: "Probably Damaging"; Align-GVGD: "Class C0"). In summary, the available evidence is currently insufficient to determine the role of this variant in disease. Therefore, it has been classified as a Variant of Uncertain Significance.